The following is an entry in ClinVar:

ClinVar aggregate classification (germline): Uncertain significance (1 of 4 stars; one submission).

Conditions:
Epileptic encephalopathy. Identifiers: MedGen C0543888, HP:0200134.

Allele frequency attached by ClinVar (database versions not stated): TOPMed below 0.00001; gnomAD 0.00001.

Submission:

Labcorp Genetics (formerly Invitae), Labcorp
Classification: Uncertain significance for Epileptic encephalopathy. Last evaluated: 2022-08-23. Review status: criteria provided, single submitter. Criteria: Invitae Variant Classification Sherloc (09022015). Collection method: clinical testing. Allele origin: germline.
Comment: Algorithms developed to predict the effect of missense changes on protein structure and function are either unavailable or do not agree on the potential impact of this missense change (SIFT: "Deleterious"; PolyPhen-2: "Possibly Damaging"; Align-GVGD: "Class C0"). This variant has not been reported in the literature in individuals affected with GABBR2-related conditions. In summary, the available evidence is currently insufficient to determine the role of this variant in disease. Therefore, it has been classified as a Variant of Uncertain Significance. This variant is not present in population databases (gnomAD no frequency). This sequence change replaces alanine, which is neutral and non-polar, with valine, which is neutral and non-polar, at codon 635 of the GABBR2 protein (p.Ala635Val).

NM_005458.8(GABBR2):c.1904C>T (p.Ala635Val)

Gene: GABBR2 (gamma-aminobutyric acid type B receptor subunit 2; minus strand). Cytogenetic location: 9q22.33.
Variant type: single nucleotide variant.
Coding change: c.1904C>T on transcript NM_005458.8 (MANE Select); coding-DNA position 1904, C replaced by T.
Protein change: p.Ala635Val; replaces alanine 635 with valine.
Molecular consequence: missense variant.
Genome position (GRCh38, 1-based): chr9:98,311,195, G>A on the plus strand (C>T on the coding strand, the complement: GABBR2 is on the minus strand). VCF-style: chr9-98311195-G-A. GRCh37 (hg19) VCF-style: chr9-101073477-G-A.
Other names: short protein forms A635V.
Identifiers: ClinVar variation 2134794 (VCV002134794.4), dbSNP rs1830630601, ClinGen allele CA374203814.
Genomic context (GRCh38, chr9:98,311,195, plus strand): 5'-ATGGTCATATGGGTGTTCTCACAGTGCTCCAGGAGAGGGCGGATGGAGATATCCCGTCCT[G>A]CTGGGTCCGGCTGTGCAAAGAGAAAACAGAGACTCAGGGATGGCACAGGACACTCTTCCA-3'
Protein context (NP_005449.5, residues 625-645): VEKYSMEPDP[Ala635Val]GRDISIRPLL